The following is an entry in ClinVar:

ClinVar aggregate classification (germline): Uncertain significance. Review status: criteria provided, multiple submitters, no conflicts (2 of 4 stars). 2 submissions from 2 submitters: Uncertain significance (2). Last evaluated 2022-02-05.

Conditions:
Severe combined immunodeficiency due to DNA-PKcs deficiency. Also called: Immunodeficiency 26 with or without neurologic abnormalities; IMMUNODEFICIENCY 26 WITH NEUROLOGIC ABNORMALITIES. Identifiers: Orphanet 317425, MedGen C4014833, MONDO:0014423, OMIM 615966.

Allele frequency attached by ClinVar (database versions not stated): gnomAD exomes below 0.00001 and 0.00001; ExAC 0.00001; gnomAD 0.00001; 1000 Genomes Project 0.00020; 1000 Genomes Project 30x 0.00031.
gnomAD v4.1: 15 of 1,589,908 alleles (0.00094%); highest among the groups gnomAD compares: Admixed American, 0.0035%; no homozygotes.

Submissions (2):

Labcorp Genetics (formerly Invitae), Labcorp
Classification: Uncertain significance for Severe combined immunodeficiency due to DNA-PKcs deficiency. Last evaluated: 2022-02-05. Review status: criteria provided, single submitter. Criteria: Invitae Variant Classification Sherloc (09022015). Collection method: clinical testing. Allele origin: germline.
Comment: In summary, the available evidence is currently insufficient to determine the role of this variant in disease. Therefore, it has been classified as a Variant of Uncertain Significance. Experimental studies and prediction algorithms are not available or were not evaluated, and the functional significance of this variant is currently unknown. This variant has not been reported in the literature in individuals affected with PRKDC-related conditions. The frequency data for this variant in the population databases is considered unreliable, as metrics indicate poor data quality at this position in the gnomAD database. This sequence change replaces proline, which is neutral and non-polar, with leucine, which is neutral and non-polar, at codon 1997 of the PRKDC protein (p.Pro1997Leu).

Blueprint Genetics
Classification: Uncertain significance. Last evaluated: 2021-11-08. Review status: criteria provided, single submitter. Criteria: ACMG Guidelines, 2015. Collection method: clinical testing. Allele origin: germline.

NM_006904.7(PRKDC):c.5990C>T (p.Pro1997Leu)

Gene: PRKDC (protein kinase, DNA-activated, catalytic subunit; minus strand). Cytogenetic location: 8q11.21.
Variant type: single nucleotide variant.
Coding change: c.5990C>T on transcript NM_006904.7 (MANE Select); coding-DNA position 5990, C replaced by T.
Protein change: p.Pro1997Leu; replaces proline 1997 with leucine.
Molecular consequence: missense variant.
Genome position (GRCh38, 1-based): chr8:47,860,967, G>A on the plus strand (C>T on the coding strand, the complement: PRKDC is on the minus strand). VCF-style: chr8-47860967-G-A. GRCh37 (hg19) VCF-style: chr8-48773528-G-A.
Other names: c.5990C>T, p.Pro1997Leu (NM_001081640.2); short protein forms P1997L.
Identifiers: ClinVar variation 1448069 (VCV001448069.7), dbSNP rs558071133, ClinGen allele CA4740502.